The following is an entry in ClinVar:

NM_001369268.1(ACAN):c.1754G>A (p.Arg585His)

Gene: ACAN (aggrecan; plus strand). Cytogenetic location: 15q26.1.
Variant type: single nucleotide variant.
Coding change: c.1754G>A on transcript NM_001369268.1 (MANE Select); coding-DNA position 1754, G replaced by A.
Protein change: p.Arg585His; replaces arginine 585 with histidine.
Molecular consequence: missense variant.
Genome position (GRCh38, 1-based): chr15:88,849,459, G>A. VCF-style: chr15-88849459-G-A. GRCh37 (hg19) VCF-style: chr15-89392690-G-A.
Other names: c.1754G>A, p.Arg585His (NM_001135.4, NM_001411096.1, NM_001411097.1 and 1 more transcripts); c.1754G>A (NM_013227.3); short protein forms R585H.
Identifiers: ClinVar variation 2169844 (VCV002169844.6), dbSNP rs375567241, ClinGen allele CA7719684.

ClinVar aggregate classification (germline): Uncertain significance. Review status: criteria provided, multiple submitters, no conflicts (2 of 4 stars). 2 submissions from 2 submitters: Uncertain significance (2). Last evaluated 2025-10-09.

Conditions:
Inborn genetic diseases. Identifiers: MedGen C0950123, MeSH D030342.

Allele frequency attached by ClinVar (database versions not stated): TOPMed 0.00009; gnomAD 0.00010; ExAC 0.00011; gnomAD exomes 0.00011; ESP Exome Variant Server 0.00016.

Submissions (2):

Labcorp Genetics (formerly Invitae), Labcorp
Classification: Uncertain significance. Last evaluated: 2025-10-09. Review status: criteria provided, single submitter. Criteria: Invitae Variant Classification Sherloc (09022015). Collection method: clinical testing. Allele origin: germline.
Comment: This sequence change replaces arginine, which is basic and polar, with histidine, which is basic and polar, at codon 585 of the ACAN protein (p.Arg585His). This variant is present in population databases (rs375567241, gnomAD 0.02%). This variant has not been reported in the literature in individuals affected with ACAN-related conditions. ClinVar contains an entry for this variant (Variation ID: 2169844). Invitae Evidence Modeling of protein sequence and biophysical properties (such as structural, functional, and spatial information, amino acid conservation, physicochemical variation, residue mobility, and thermodynamic stability) indicates that this missense variant is not expected to disrupt ACAN protein function with a negative predictive value of 80%. In summary, the available evidence is currently insufficient to determine the role of this variant in disease. Therefore, it has been classified as a Variant of Uncertain Significance.

Ambry Genetics
Classification: Uncertain significance for Inborn genetic diseases. Last evaluated: 2025-01-03. Review status: criteria provided, single submitter. Criteria: Ambry Variant Classification Scheme 2023. Collection method: clinical testing. Allele origin: germline.